The following is an entry in ClinVar:

NM_000090.4(COL3A1):c.2503G>A (p.Glu835Lys)

Gene: COL3A1 (collagen type III alpha 1 chain; plus strand). Cytogenetic location: 2q32.2.
Variant type: single nucleotide variant.
Coding change: c.2503G>A on transcript NM_000090.4 (MANE Select); coding-DNA position 2503, G replaced by A.
Protein change: p.Glu835Lys; replaces glutamic acid 835 with lysine.
Molecular consequence: missense variant.
Genome position (GRCh38, 1-based): chr2:189,003,012, G>A. VCF-style: chr2-189003012-G-A. GRCh37 (hg19) VCF-style: chr2-189867738-G-A.
Other names: short protein forms E835K.
Identifiers: ClinVar variation 3703110 (VCV003703110.2).

ClinVar aggregate classification (germline): Uncertain significance (1 of 4 stars; one submission).

Conditions:
Ehlers-Danlos syndrome, type 4 (EDSVASC). Also called: Ehlers-Danlos syndrome vascular type; Ehlers Danlos syndrome, ecchymotic type; Ehlers Danlos syndrome, arterial type; Ehlers Danlos syndrome, Sack-Barabas type; Ehlers-Danlos Syndrome Type IV. Identifiers: Orphanet 286, MedGen C0268338, MONDO:0017314, OMIM 130050.

Submission:

Labcorp Genetics (formerly Invitae), Labcorp
Classification: Uncertain significance for Ehlers-Danlos syndrome, type 4. Last evaluated: 2024-04-29. Review status: criteria provided, single submitter. Criteria: Invitae Variant Classification Sherloc (09022015). Collection method: clinical testing. Allele origin: germline.
Comment: This sequence change replaces glutamic acid, which is acidic and polar, with lysine, which is basic and polar, at codon 835 of the COL3A1 protein (p.Glu835Lys). This variant is not present in population databases (gnomAD no frequency). This variant has not been reported in the literature in individuals affected with COL3A1-related conditions. Advanced modeling of protein sequence and biophysical properties (such as structural, functional, and spatial information, amino acid conservation, physicochemical variation, residue mobility, and thermodynamic stability) has been performed at Invitae for this missense variant, however the output from this modeling did not meet the statistical confidence thresholds required to predict the impact of this variant on COL3A1 protein function. In summary, the available evidence is currently insufficient to determine the role of this variant in disease. Therefore, it has been classified as a Variant of Uncertain Significance.